The following is an entry in ClinVar:

ClinVar aggregate classification (germline): Pathogenic. Review status: criteria provided, single submitter (1 of 4 stars). 2 submissions from 2 submitters: Pathogenic (1). 1 of the submissions does not count toward it. Last evaluated 2025-12-24.

Conditions:
Bardet-Biedl syndrome (BBS). Identifiers: Orphanet 110, MedGen C0752166, MONDO:0015229.
Bardet-Biedl syndrome 1 (BBS1). Identifiers: MedGen C2936862, MONDO:0008854, OMIM 209900. Disease mechanism: loss of function.

gnomAD v4.1: 3 of 1,614,148 alleles (0.00019%); highest among the groups gnomAD compares: Non-Finnish European, 0.00025%; no homozygotes.

Submissions (2):

Labcorp Genetics (formerly Invitae), Labcorp
Classification: Pathogenic for Bardet-Biedl syndrome. Last evaluated: 2025-12-24. Review status: criteria provided, single submitter. Criteria: Invitae Variant Classification Sherloc (09022015). Collection method: clinical testing. Allele origin: germline.
Comment: This sequence change creates a premature translational stop signal (p.Cys285*) in the BBS1 gene. It is expected to result in an absent or disrupted protein product. Loss-of-function variants in BBS1 are known to be pathogenic (PMID: 12118255, 21520335, 27032803). This variant is not present in population databases (gnomAD no frequency). This variant has not been reported in the literature in individuals affected with BBS1-related conditions. ClinVar contains an entry for this variant (Variation ID: 370358). Algorithms developed to predict the effect of sequence changes on RNA splicing suggest that this variant may disrupt the consensus splice site. For these reasons, this variant has been classified as Pathogenic.

Counsyl
Classification: Likely pathogenic for Bardet-Biedl syndrome 1. Last evaluated: 2016-01-21. Review status: no assertion criteria provided. Collection method: clinical testing. Allele origin: unknown. Not counted in ClinVar's aggregate classification.

Literature cited by the submitters: PubMed 12118255 (cited by Labcorp Genetics (formerly Invitae), Labcorp); PubMed 21520335 (cited by Labcorp Genetics (formerly Invitae), Labcorp); PubMed 27032803 (cited by Labcorp Genetics (formerly Invitae), Labcorp).

NM_024649.5(BBS1):c.855C>A (p.Cys285Ter)

Genes: ZDHHC24 (zDHHC palmitoyltransferase 24; minus strand), BBS1 (Bardet-Biedl syndrome 1; plus strand). Cytogenetic location: 11q13.2.
Variant type: single nucleotide variant.
Coding change: c.855C>A on transcript NM_024649.5 (MANE Select); coding-DNA position 855, C replaced by A.
Protein change: p.Cys285Ter; replaces cysteine 285 with a stop codon.
Molecular consequence: nonsense. On other transcripts: intron variant (1).
Genome position (GRCh38, 1-based): chr11:66,523,480, C>A. VCF-style: chr11-66523480-C-A. GRCh37 (hg19) VCF-style: chr11-66290951-C-A.
Other names: c.*22-2014G>T (NM_001348571.2); short protein forms C285*.
Identifiers: ClinVar variation 370358 (VCV000370358.9), dbSNP rs1057516427, ClinGen allele CA16041526.
Genomic context (GRCh38, chr11:66,523,480, plus strand): 5'-TCTCTGGGGCCAGACAGTGTGTTGTTTATTCCACAGAGACTCCAAGCACCCCAAGTACTG[C>A]ATCGAGCTGAGCGCCCAGCCTGTGGGACTTATCCGGGTACACAAGGTCCTAGTGGTGGGC-3'